The following is an entry in ClinVar:

NM_000090.4(COL3A1):c.1924-14A>T

Gene: COL3A1 (collagen type III alpha 1 chain; plus strand). Cytogenetic location: 2q32.2.
Variant type: single nucleotide variant.
Coding change: c.1924-14A>T on transcript NM_000090.4 (MANE Select); 14 bases into the intron before coding-DNA position 1924, A replaced by T.
Molecular consequence: intron variant.
Genome position (GRCh38, 1-based): chr2:188,998,252, A>T. VCF-style: chr2-188998252-A-T. GRCh37 (hg19) VCF-style: chr2-189862978-A-T.
Identifiers: ClinVar variation 2682334 (VCV002682334.5), dbSNP rs2469141082, ClinGen allele CA2697551445.
Genomic context (GRCh38, chr2:188,998,252, plus strand): 5'-ATGTGTACATATGAGAAGCTTTTCTATAAGCCATGTTTGAGGTAATTACCTAATACAAAT[A>T]TGATTCTTTCTAGGGCTTGCCTGGTACAGGTGGTCCTCCAGGAGAAAATGGAAAACCTGG-3'

ClinVar aggregate classification (germline): Likely benign. Review status: criteria provided, multiple submitters, no conflicts (2 of 4 stars). 2 submissions from 2 submitters: Likely benign (2). Last evaluated 2025-11-17.

Conditions:
Ehlers-Danlos syndrome, type 4 (EDSVASC). Also called: Ehlers-Danlos syndrome vascular type; Ehlers Danlos syndrome, ecchymotic type; Ehlers Danlos syndrome, arterial type; Ehlers Danlos syndrome, Sack-Barabas type; Ehlers-Danlos Syndrome Type IV. Identifiers: Orphanet 286, MedGen C0268338, MONDO:0017314, OMIM 130050.

Submissions (2):

Women's Health and Genetics/Laboratory Corporation of America, LabCorp
Classification: Likely benign. Last evaluated: 2025-11-17. Review status: criteria provided, single submitter. Criteria: LabCorp Variant Classification Summary - May 2015. Collection method: clinical testing. Allele origin: germline.
Comment: Variant summary: COL3A1 c.1924-14A>T alters a non-conserved nucleotide located at a position not widely known to affect splicing. Consensus agreement among computation tools predict no significant impact on normal splicing. However, these predictions have yet to be confirmed by functional studies. The variant was absent in 250372 control chromosomes. The available data on variant occurrences in the general population are insufficient to allow any conclusion about variant significance. To our knowledge, no occurrence of c.1924-14A>T in individuals affected with COL3A1-related conditions and no experimental evidence demonstrating its impact on protein function have been reported. ClinVar contains an entry for this variant (Variation ID: 2682334). Based on the evidence outlined above, the variant was classified as likely benign.

Labcorp Genetics (formerly Invitae), Labcorp
Classification: Likely benign for Ehlers-Danlos syndrome, type 4. Last evaluated: 2023-08-09. Review status: criteria provided, single submitter. Criteria: Invitae Variant Classification Sherloc (09022015). Collection method: clinical testing. Allele origin: germline.